The following is an entry in ClinVar:

NM_000168.6(GLI3):c.3473T>C (p.Leu1158Pro)

Gene: GLI3 (GLI family zinc finger 3; minus strand). Cytogenetic location: 7p14.1.
Variant type: single nucleotide variant.
Coding change: c.3473T>C on transcript NM_000168.6 (MANE Select); coding-DNA position 3473, T replaced by C.
Protein change: p.Leu1158Pro; replaces leucine 1158 with proline.
Molecular consequence: missense variant.
Genome position (GRCh38, 1-based): chr7:41,965,600, A>G on the plus strand (T>C on the coding strand, the complement: GLI3 is on the minus strand). VCF-style: chr7-41965600-A-G. GRCh37 (hg19) VCF-style: chr7-42005198-A-G.
Other names: c.3473T>C (NM_000168.5); short protein forms L1158P.
Identifiers: ClinVar variation 4791672 (VCV004791672.2).

ClinVar aggregate classification (germline): Uncertain significance. Review status: criteria provided, multiple submitters, no conflicts (2 of 4 stars). 2 submissions from 2 submitters: Uncertain significance (2). Last evaluated 2026-08-17.

Conditions:
Pallister-Hall syndrome (PHS). Also called: HYPOTHALAMIC HAMARTOBLASTOMA, HYPOPITUITARISM, IMPERFORATE ANUS, AND POSTAXIAL POLYDACTYLY; GLI3-Related Pallister-Hall Syndrome. Identifiers: Orphanet 672, MedGen C0265220, MONDO:0007804, OMIM 146510.
Greig cephalopolysyndactyly syndrome (GCPS). Also called: POLYSYNDACTYLY WITH PECULIAR SKULL SHAPE; Greig syndrome; GLI3-Related Greig Cephalopolysyndactyly Syndrome. Identifiers: Orphanet 380, MedGen C0265306, MONDO:0008287, OMIM 175700.
Inborn genetic diseases. Identifiers: MedGen C0950123, MeSH D030342.

gnomAD v4.1: 22 of 1,607,236 alleles (0.0014%); highest among the groups gnomAD compares: Non-Finnish European, 0.0019%; no homozygotes.

Submissions (2):

Ambry Genetics
Classification: Uncertain significance for Inborn genetic diseases. Last evaluated: 2026-08-17. Review status: criteria provided, single submitter. Criteria: Ambry Variant Classification Scheme 2023. Collection method: clinical testing. Allele origin: germline.

Labcorp Genetics (formerly Invitae), Labcorp
Classification: Uncertain significance for Pallister-Hall syndrome; Greig cephalopolysyndactyly syndrome. Last evaluated: 2025-12-16. Review status: criteria provided, single submitter. Criteria: Invitae Variant Classification Sherloc (09022015). Collection method: clinical testing. Allele origin: germline.
Comment: This sequence change replaces leucine, which is neutral and non-polar, with proline, which is neutral and non-polar, at codon 1158 of the GLI3 protein (p.Leu1158Pro). This variant is present in population databases (rs756384373, gnomAD 0.0009%). This variant has not been reported in the literature in individuals affected with GLI3-related conditions. Invitae Evidence Modeling of protein sequence and biophysical properties (such as structural, functional, and spatial information, amino acid conservation, physicochemical variation, residue mobility, and thermodynamic stability) has been performed for this missense variant. However, the output from this modeling did not meet the statistical confidence thresholds required to predict the impact of this variant on GLI3 protein function. In summary, the available evidence is currently insufficient to determine the role of this variant in disease. Therefore, it has been classified as a Variant of Uncertain Significance.